The following is an entry in ClinVar:

ClinVar aggregate classification (germline): Pathogenic. Review status: criteria provided, multiple submitters, no conflicts (2 of 4 stars). 2 submissions from 2 submitters: Pathogenic (2). Last evaluated 2026-08-12.

Conditions:
Arrhythmogenic right ventricular dysplasia 9 (ARVD9). Also called: Arrhythmogenic Right Ventricular Dysplasia/Cardiomyopathy 9; ARRHYTHMOGENIC RIGHT VENTRICULAR DYSPLASIA, FAMILIAL, 9. Identifiers: MedGen C1836906, MONDO:0012180, OMIM 609040.
Cardiovascular phenotype. Identifiers: MedGen CN230736.

Submissions (2):

Ambry Genetics
Classification: Pathogenic for Cardiovascular phenotype. Last evaluated: 2026-08-12. Review status: criteria provided, single submitter. Criteria: Ambry Variant Classification Scheme 2023. Collection method: clinical testing. Allele origin: germline.
Comment: The c.251delC pathogenic mutation, located in coding exon 2 of the PKP2 gene, results from a deletion of one nucleotide at nucleotide position 251, causing a translational frameshift with a predicted alternate stop codon (p.P84Lfs*28). This variant is considered to be rare based on population cohorts in the Genome Aggregation Database (gnomAD). This alteration is expected to result in loss of function by premature protein truncation or nonsense-mediated mRNA decay. As such, this alteration is interpreted as a disease-causing mutation.

Labcorp Genetics (formerly Invitae), Labcorp
Classification: Pathogenic for Arrhythmogenic right ventricular dysplasia 9. Last evaluated: 2024-09-23. Review status: criteria provided, single submitter. Criteria: Invitae Variant Classification Sherloc (09022015). Collection method: clinical testing. Allele origin: germline.
Comment: This sequence change creates a premature translational stop signal (p.Pro84Leufs*28) in the PKP2 gene. It is expected to result in an absent or disrupted protein product. Loss-of-function variants in PKP2 are known to be pathogenic (PMID: 15489853, 17041889, 23911551). This variant is not present in population databases (gnomAD no frequency). This variant has not been reported in the literature in individuals affected with PKP2-related conditions. For these reasons, this variant has been classified as Pathogenic.

Literature cited by the submitters: PubMed 15489853 (cited by Labcorp Genetics (formerly Invitae), Labcorp); PubMed 17041889 (cited by Labcorp Genetics (formerly Invitae), Labcorp); PubMed 23911551 (cited by Labcorp Genetics (formerly Invitae), Labcorp).

NM_001005242.3(PKP2):c.251del (p.Pro84fs)

Gene: PKP2 (plakophilin 2; minus strand). Cytogenetic location: 12p11.21.
Variant type: Deletion.
Coding change: c.251del on transcript NM_001005242.3 (MANE Select); coding-DNA position 251, one base deleted (C; older notation c.251delC).
Protein change: p.Pro84fs; shifts the reading frame from proline 84.
Molecular consequence: frameshift variant. On other transcripts: 5 prime UTR variant (4).
Genome position (GRCh38, 1-based): chr12:32,879,005, G deleted on the plus strand (C on the coding strand, the reverse complement: PKP2 is on the minus strand); the first of 2 consecutive G bases (chr12:32,879,005-32,879,006); deleting either gives the same sequence. VCF-style (leftmost placement, unchanged base first): chr12-32879004-AG-A. GRCh37 (hg19) VCF-style: chr12-33031938-AG-A.
Other names: c.251del, p.Pro84fs (NM_001407155.1, NM_001407156.1, NM_001407157.1 and 2 more transcripts); c.-77del (NM_001407158.1, NM_001407159.1, NM_001407160.1 and 1 more transcripts); c.251delC (NM_004572.3); short protein forms P84fs.
Identifiers: ClinVar variation 3661354 (VCV003661354.3).